The following is an entry in ClinVar:

NM_001038603.3(MARVELD2):c.723T>C (p.Ser241=)

Gene: MARVELD2 (MARVEL domain containing 2; plus strand). Cytogenetic location: 5q13.2.
Variant type: single nucleotide variant.
Coding change: c.723T>C on transcript NM_001038603.3 (MANE Select); coding-DNA position 723, T replaced by C.
Protein change: p.Ser241=; no amino-acid change (serine 241 retained).
Molecular consequence: synonymous variant.
Genome position (GRCh38, 1-based): chr5:69,420,108, T>C. VCF-style: chr5-69420108-T-C. GRCh37 (hg19) VCF-style: chr5-68715935-T-C.
Other names: c.723T>C, p.Ser241= (NM_001244734.2).
Identifiers: ClinVar variation 2655506 (VCV002655506.24), dbSNP rs116308056, ClinGen allele CA3294099.

ClinVar aggregate classification (germline): Likely benign (1 of 4 stars; one submission).

Allele frequency attached by ClinVar (database versions not stated): gnomAD exomes 0.00003; TOPMed 0.00003; ExAC 0.00004; gnomAD 0.00005; 1000 Genomes Project 30x 0.00016; 1000 Genomes Project 0.00020.

Submission:

CeGaT Center for Human Genetics Tuebingen
Classification: Likely benign. Last evaluated: 2022-06-01. Review status: criteria provided, single submitter. Criteria: CeGaT Center For Human Genetics Tuebingen Variant Classification Criteria Version 2. Collection method: clinical testing. Allele origin: germline. Affected: yes. Observed: 1 variant allele.
Comment: MARVELD2: BP4, BP7